The following is an entry in ClinVar:

ClinVar aggregate classification (germline): Uncertain significance (1 of 4 stars; one submission).

Conditions:
Ichthyosis linearis circumflexa. Identifiers: MedGen C0265962, MONDO:0043106, HP:0025810.

Submission:

Labcorp Genetics (formerly Invitae), Labcorp
Classification: Uncertain significance for Ichthyosis linearis circumflexa. Last evaluated: 2022-10-17. Review status: criteria provided, single submitter. Criteria: Invitae Variant Classification Sherloc (09022015). Collection method: clinical testing. Allele origin: germline.
Comment: In summary, the available evidence is currently insufficient to determine the role of this variant in disease. Therefore, it has been classified as a Variant of Uncertain Significance. Algorithms developed to predict the effect of missense changes on protein structure and function are either unavailable or do not agree on the potential impact of this missense change (SIFT: "Deleterious"; PolyPhen-2: "Possibly Damaging"; Align-GVGD: "Class C0"). This variant has not been reported in the literature in individuals affected with SPINK5-related conditions. This variant is not present in population databases (gnomAD no frequency). This sequence change replaces arginine, which is basic and polar, with glycine, which is neutral and non-polar, at codon 974 of the SPINK5 protein (p.Arg974Gly).

NM_006846.4(SPINK5):c.2920A>G (p.Arg974Gly)

Gene: SPINK5 (serine peptidase inhibitor Kazal type 5; plus strand). Cytogenetic location: 5q32.
Variant type: single nucleotide variant.
Coding change: c.2920A>G on transcript NM_006846.4 (MANE Select); coding-DNA position 2920, A replaced by G.
Protein change: p.Arg974Gly; replaces arginine 974 with glycine.
Molecular consequence: missense variant.
Genome position (GRCh38, 1-based): chr5:148,127,035, A>G. VCF-style: chr5-148127035-A-G. GRCh37 (hg19) VCF-style: chr5-147506598-A-G.
Other names: c.3010A>G, p.Arg1004Gly (NM_001127698.2); short protein forms R1004G, R974G.
Identifiers: ClinVar variation 1940327 (VCV001940327.3), dbSNP rs2531810854, ClinGen allele CA361650776.